The following is an entry in ClinVar:

NM_032119.4(ADGRV1):c.9940G>A (p.Ala3314Thr)

Gene: ADGRV1 (adhesion G protein-coupled receptor V1; plus strand). Cytogenetic location: 5q14.3.
Variant type: single nucleotide variant.
Coding change: c.9940G>A on transcript NM_032119.4 (MANE Select); coding-DNA position 9940, G replaced by A.
Protein change: p.Ala3314Thr; replaces alanine 3314 with threonine.
Molecular consequence: missense variant. On other transcripts: non-coding transcript variant (1).
Genome position (GRCh38, 1-based): chr5:90,725,119, G>A. VCF-style: chr5-90725119-G-A. GRCh37 (hg19) VCF-style: chr5-90020936-G-A.
Other names: c.9940G>A (NM_032119.3); short protein forms A3314T.
Identifiers: ClinVar variation 1020011 (VCV001020011.35), dbSNP rs773086150, ClinGen allele CA3340633.

ClinVar aggregate classification (germline): Uncertain significance. Review status: criteria provided, multiple submitters, no conflicts (2 of 4 stars). 5 submissions from 5 submitters: Uncertain significance (5). Last evaluated 2025-04-29.

Conditions:
Inborn genetic diseases. Identifiers: MedGen C0950123, MeSH D030342.

Allele frequency attached by ClinVar (database versions not stated): TOPMed below 0.00001; ExAC 0.00001; gnomAD 0.00001; gnomAD exomes 0.00001 and 0.00002.
gnomAD v4.1: 22 of 1,536,980 alleles (0.0014%); highest among the groups gnomAD compares: Admixed American, 0.0021%; no homozygotes.

Submissions (5):

GeneDx
Classification: Uncertain significance. Last evaluated: 2025-04-29. Review status: criteria provided, single submitter. Criteria: GeneDx Variant Classification Process June 2021. Collection method: clinical testing. Allele origin: germline. Affected: yes.
Comment: Not observed at significant frequency in large population cohorts (gnomAD); In silico analysis indicates that this missense variant does not alter protein structure/function; Has not been previously published as pathogenic or benign to our knowledge

Blueprint Genetics
Classification: Uncertain significance. Last evaluated: 2024-09-09. Review status: criteria provided, single submitter. Criteria: ACMG Guidelines, 2015. Collection method: clinical testing. Allele origin: germline.

CeGaT Center for Human Genetics Tuebingen
Classification: Uncertain significance. Last evaluated: 2023-10-01. Review status: criteria provided, single submitter. Criteria: CeGaT Center For Human Genetics Tuebingen Variant Classification Criteria Version 2. Collection method: clinical testing. Allele origin: germline. Affected: yes. Observed: 1 variant allele.
Comment: ADGRV1: PM2, BP4

Ambry Genetics
Classification: Uncertain significance for Inborn genetic diseases. Last evaluated: 2023-04-26. Review status: criteria provided, single submitter. Criteria: Ambry Variant Classification Scheme 2023. Collection method: clinical testing. Allele origin: germline.

Labcorp Genetics (formerly Invitae), Labcorp
Classification: Uncertain significance. Last evaluated: 2021-08-27. Review status: criteria provided, single submitter. Criteria: Invitae Variant Classification Sherloc (09022015). Collection method: clinical testing. Allele origin: germline.
Comment: This sequence change replaces alanine with threonine at codon 3314 of the ADGRV1 protein (p.Ala3314Thr). The alanine residue is weakly conserved and there is a small physicochemical difference between alanine and threonine. This variant is present in population databases (rs773086150, ExAC 0.002%). This variant has not been reported in the literature in individuals affected with ADGRV1-related conditions. Algorithms developed to predict the effect of missense changes on protein structure and function output the following: SIFT: "Tolerated"; PolyPhen-2: "Benign"; Align-GVGD: "Class C0". The threonine amino acid residue is found in multiple mammalian species, which suggests that this missense change does not adversely affect protein function. In summary, the available evidence is currently insufficient to determine the role of this variant in disease. Therefore, it has been classified as a Variant of Uncertain Significance.